The following is an entry in ClinVar:

NM_000038.6(APC):c.4305A>G (p.Arg1435=)

Gene: APC (APC regulator of Wnt signaling pathway; plus strand). Cytogenetic location: 5q22.2.
Variant type: single nucleotide variant.
Coding change: c.4305A>G on transcript NM_000038.6 (MANE Select); coding-DNA position 4305, A replaced by G.
Protein change: p.Arg1435=; no amino-acid change (arginine 1435 retained).
Molecular consequence: synonymous variant. On other transcripts: non-coding transcript variant (2).
Genome position (GRCh38, 1-based): chr5:112,839,899, A>G. VCF-style: chr5-112839899-A-G. GRCh37 (hg19) VCF-style: chr5-112175596-A-G.
Other names: c.4305A>G, p.Arg1435= (NM_001354895.2, NM_001407450.1, NM_001127510.3); c.4359A>G, p.Arg1453= (NM_001354896.2, NM_001407447.1, NM_001407448.1 and 1 more transcripts); c.4335A>G, p.Arg1445= (NM_001354897.2); c.4230A>G, p.Arg1410= (NM_001354898.2); c.4221A>G, p.Arg1407= (NM_001354899.2); c.4182A>G, p.Arg1394= (NM_001354900.2); c.4128A>G, p.Arg1376= (NM_001354901.2, NM_001407453.1); c.4032A>G, p.Arg1344= (NM_001354902.2); and 11 more.
Identifiers: ClinVar variation 2583030 (VCV002583030.25), dbSNP rs2149911274, ClinGen allele CA445964458.
Genomic context (GRCh38, chr5:112,839,899, plus strand): 5'-TGGCATTATAAGCCCCAGTGATCTTCCAGATAGCCCTGGACAAACCATGCCACCAAGCAG[A>G]AGTAAAACACCTCCACCACCTCCTCAAACAGCTCAAACCAAGCGAGAAGTACCTAAAAAT-3'
Protein context (NP_000029.2, residues 1425-1445): DSPGQTMPPS[Arg1435=]SKTPPPPPQT

ClinVar aggregate classification (germline): Likely benign (1 of 4 stars; one submission).

Submission:

CeGaT Center for Human Genetics Tuebingen
Classification: Likely benign. Last evaluated: 2023-09-01. Review status: criteria provided, single submitter. Criteria: CeGaT Center For Human Genetics Tuebingen Variant Classification Criteria Version 2. Collection method: clinical testing. Allele origin: germline. Affected: yes. Observed: 1 variant allele.
Comment: APC: PM2:Supporting, BP4, BP7